The following is an entry in ClinVar:

ClinVar aggregate classification (germline): Uncertain significance (1 of 4 stars; one submission).

Conditions:
Choanal atresia-athelia-hypothyroidism-delayed puberty-short stature syndrome (BCAHH). Also called: BRANCHIAL ARCH ABNORMALITIES, CHOANAL ATRESIA, ATHELIA, HEARING LOSS, AND HYPOTHYROIDISM SYNDROME. Identifiers: Orphanet 589856, MedGen C5680310, MONDO:0035651, OMIM 620186.
Kabuki syndrome 1 (KABUK1). Also called: KMT2D-Related Kabuki Syndrome. Identifiers: Orphanet 2322, MedGen CN030661, MONDO:0007843, OMIM 147920.

Submission:

Juno Genomics, Hangzhou Juno Genomics, Inc
Classification: Uncertain significance for Choanal atresia-athelia-hypothyroidism-delayed puberty-short stature syndrome; Kabuki syndrome 1. Review status: criteria provided, single submitter. Criteria: ACMG Guidelines, 2015. Collection method: clinical testing. Allele origin: germline.
Comment: Absent from controls (or at extremely low frequency if recessive) in Genome Aggregation Database.;Missense variant in a gene that has a low rate of benign missense variation.

NM_003482.4(KMT2D):c.14764_14765delinsAA (p.Ala4922Lys)

Gene: KMT2D (lysine methyltransferase 2D; minus strand). Cytogenetic location: 12q13.12.
Variant type: Indel.
Coding change: c.14764_14765delinsAA on transcript NM_003482.4 (MANE Select); coding-DNA positions 14764 to 14765, GC replaced by AA.
Protein change: p.Ala4922Lys; replaces alanine 4922 with lysine.
Molecular consequence: missense variant.
Genome position (GRCh38, 1-based): chr12:49,027,201-49,027,202, GC replaced by TT on the plus strand (GC replaced by AA on the coding strand, the reverse complement: KMT2D is on the minus strand). VCF-style: chr12-49027201-GC-TT. GRCh37 (hg19) VCF-style: chr12-49420984-GC-TT.
Other names: short protein forms A4922K.
Identifiers: ClinVar variation 5019188 (VCV005019188.2).